The following is an entry in ClinVar:

NM_001252024.2(TRPM1):c.78dup (p.Asn27Ter)

Gene: TRPM1 (transient receptor potential cation channel subfamily M member 1; minus strand). Cytogenetic location: 15q13.3.
Variant type: Duplication.
Coding change: c.78dup on transcript NM_001252024.2 (MANE Select); coding-DNA position 78, one base duplicated (T; older notation c.78dupT).
Protein change: p.Asn27Ter; replaces asparagine 27 with a stop codon.
Molecular consequence: nonsense.
Genome position (GRCh38, 1-based): chr15:31,076,910, A duplicated on the plus strand (T on the coding strand, the reverse complement: TRPM1 is on the minus strand). VCF-style (leftmost placement, unchanged base first): chr15-31076909-T-TA. GRCh37 (hg19) VCF-style: chr15-31369112-T-TA.
Other names: c.129dup, p.Asn44Ter (NM_001252020.2); c.12dup, p.Asn5Ter (NM_001252030.2, NM_002420.6); short protein forms N27*, N44*, N5*.
Identifiers: ClinVar variation 4849989 (VCV004849989.1).
Genomic context (GRCh38, chr15:31,076,909, plus strand): 5'-ATAGTGGCAGACAAGCACTGGTTTGGATAATGTCTTAATCGTGGATTTCAATTTACCTGT[T>TA]AGAGTCTTTCATGCTAGGAATTACAAAGATACATTCCCGTTTGCAAAAGGTTTTCTCTAT-3'

ClinVar aggregate classification (germline): Likely pathogenic (1 of 4 stars; one submission).

Conditions:
Congenital stationary night blindness 1C. Also called: Night blindness, congenital stationary (complete), 1C, autosomal recessive. Identifiers: Orphanet 215, MedGen C2750747, MONDO:0013183, OMIM 613216.

Submission:

Variantyx, Inc.
Classification: Likely pathogenic for Congenital stationary night blindness 1C. Last evaluated: 2025-07-07. Review status: criteria provided, single submitter. Criteria: Variantyx Assertion Criteria 2022. Collection method: clinical testing. Allele origin: germline. Inheritance: Autosomal recessive inheritance. Affected: no.
Comment: This is a frameshift variant in the TRPM1 gene (OMIM: 603576). Pathogenic variants in this gene have been associated with autosomal recessive complete congenital stationary night blindness 1C. This variant introduces a premature termination codon in exon 3 out of 28 and is expected to result in loss of function, which is a known disease mechanism for TRPM1 in this disorder (PVS1) (PMID:19878917). This variant has a 0.0004% maximum allele frequency in non-founder control populations (PM2).This variant has not been reported in individuals with TRPM1-related disorders in the databases available for review. Based on the current evidence, this variant is classified as likely pathogenic for autosomal recessive complete congenital stationary night blindness 1C.No other variant of clinical significance was identified in the TRPM1 gene. A single pathogenic variant in a gene associated with autosomal recessive disease is generally insufficient to cause disease. Therefore, this finding likely represents carrier status.

Literature cited by the submitters: PubMed 19878917.